The following is an entry in ClinVar:

NM_004204.5(PIGQ):c.1011C>G (p.Asn337Lys)

Gene: PIGQ (phosphatidylinositol glycan anchor biosynthesis class Q; plus strand). Cytogenetic location: 16p13.3.
Variant type: single nucleotide variant.
Coding change: c.1011C>G on transcript NM_004204.5 (MANE Select); coding-DNA position 1011, C replaced by G.
Protein change: p.Asn337Lys; replaces asparagine 337 with lysine.
Molecular consequence: missense variant.
Genome position (GRCh38, 1-based): chr16:578,447, C>G. VCF-style: chr16-578447-C-G. GRCh37 (hg19) VCF-style: chr16-628447-C-G.
Other names: c.1011C>G, p.Asn337Lys (NM_148920.4); short protein forms N337K.
Identifiers: ClinVar variation 1372113 (VCV001372113.6), dbSNP rs1256668223, ClinGen allele CA394055854.
Genomic context (GRCh38, chr16:578,447, plus strand): 5'-CGAGGAGCTCCAGCATCTGCTGCAGTGGCTGATGGGTGCTCCCGCCGGGCTCAAGATGAA[C>G]CGTGCACTGGACCAGGTGCTGGGCCGCTTCTTCCTCTACCACATCCACCTGTGGATCAGT-3'
Protein context (NP_004195.2, residues 327-347): LMGAPAGLKM[Asn337Lys]RALDQVLGRF

ClinVar aggregate classification (germline): Uncertain significance (1 of 4 stars; one submission).

Conditions:
Epilepsy. Also called: Seizure disorder. Identifiers: MedGen C0014544, MeSH D004827, MONDO:0005027.

Allele frequency attached by ClinVar (database versions not stated): gnomAD exomes 0.00001; gnomAD 0.00002; TOPMed 0.00002.
gnomAD v4.1: 4 of 1,612,594 alleles (0.00025%); highest among the groups gnomAD compares: African/African-American, 0.0053%; no homozygotes.

Submission:

Labcorp Genetics (formerly Invitae), Labcorp
Classification: Uncertain significance for Epilepsy. Last evaluated: 2021-10-09. Review status: criteria provided, single submitter. Criteria: Invitae Variant Classification Sherloc (09022015). Collection method: clinical testing. Allele origin: germline.
Comment: In summary, the available evidence is currently insufficient to determine the role of this variant in disease. Therefore, it has been classified as a Variant of Uncertain Significance. Algorithms developed to predict the effect of missense changes on protein structure and function (SIFT, PolyPhen-2, Align-GVGD) all suggest that this variant is likely to be disruptive. This variant has not been reported in the literature in individuals affected with PIGQ-related conditions. This variant is not present in population databases (ExAC no frequency). This sequence change replaces asparagine with lysine at codon 337 of the PIGQ protein (p.Asn337Lys). The asparagine residue is highly conserved and there is a moderate physicochemical difference between asparagine and lysine.